The following is an entry in ClinVar:

ClinVar aggregate classification (germline): Uncertain significance (0 of 4 stars; one submission).

Conditions:
INPP5E-related disorder. Also called: INPP5E-related condition.

Submission:

PreventionGenetics, part of Exact Sciences
Classification: Uncertain significance for INPP5E-related condition. Last evaluated: 2024-07-05. Review status: no assertion criteria provided. Collection method: clinical testing. Allele origin: germline.
Comment: The INPP5E c.545C>T variant is predicted to result in the amino acid substitution p.Ser182Leu. To our knowledge, this variant has not been reported in the literature or in a large population database, indicating this variant is rare. At this time, the clinical significance of this variant is uncertain due to the absence of conclusive functional and genetic evidence.

NM_019892.6(INPP5E):c.545C>T (p.Ser182Leu)

Gene: INPP5E (inositol polyphosphate-5-phosphatase E; minus strand). Cytogenetic location: 9q34.3.
Variant type: single nucleotide variant.
Coding change: c.545C>T on transcript NM_019892.6 (MANE Select); coding-DNA position 545, C replaced by T.
Protein change: p.Ser182Leu; replaces serine 182 with leucine.
Molecular consequence: missense variant.
Genome position (GRCh38, 1-based): chr9:136,438,875, G>A on the plus strand (C>T on the coding strand, the complement: INPP5E is on the minus strand). VCF-style: chr9-136438875-G-A. GRCh37 (hg19) VCF-style: chr9-139333327-G-A.
Other names: c.545C>T, p.Ser182Leu (NM_001318502.2); short protein forms S182L.
Identifiers: ClinVar variation 3345448 (VCV003345448.1).
Genomic context (GRCh38, chr9:136,438,875, plus strand): 5'-GCGATGTCCAGGCTCAGGGCAGGCGGTGGGCGCGGGGGCAGCAGGCTGGGCAGCCTGGGC[G>A]AGCTCCCCGCCACGGCGGCGTCTCTGTGCGGGAGGTTCGGGGAGCTGCTGGCCACCCCAG-3'
Protein context (NP_063945.2, residues 172-192): PHRDAAVAGS[Ser182Leu]PRLPSLLPPR